The following is an entry in ClinVar:

ClinVar aggregate classification (germline): Benign (1 of 4 stars; one submission).

Conditions:
Pulmonary hypertension, primary, 1 (PPH1). Also called: Pulmonary hypertension, familial primary, 1, with or without HHT. Identifiers: Orphanet 422, MedGen C4552070, MONDO:0024533, OMIM 178600.

Allele frequency attached by ClinVar (database versions not stated): TOPMed 0.00138; gnomAD 0.00134 and 0.00127; 1000 Genomes Project 30x 0.00062; 1000 Genomes Project 0.00040.

Submission:

Illumina Laboratory Services, Illumina
Classification: Benign for Pulmonary hypertension, primary, 1. Last evaluated: 2018-01-13. Review status: criteria provided, single submitter. Criteria: ICSL Variant Classification Criteria 13 December 2019. Collection method: clinical testing. Allele origin: germline.
Comment: This variant was observed in the ICSL laboratory as part of a predisposition screen in an ostensibly healthy population. It had not been previously curated by ICSL or reported in the Human Gene Mutation Database (HGMD: prior to June 1st, 2018), and was therefore a candidate for classification through an automated scoring system. Utilizing variant allele frequency, disease prevalence and penetrance estimates, and inheritance mode, an automated score was calculated to assess if this variant is too frequent to cause the disease. Based on the score and internal cut-off values, a variant classified as benign is not then subjected to further curation. The score for this variant resulted in a classification of benign for this disease.

NM_001204.7(BMPR2):c.*2173A>G

Gene: BMPR2 (bone morphogenetic protein receptor type 2; plus strand). Cytogenetic location: 2q33.2.
Variant type: single nucleotide variant.
Coding change: c.*2173A>G on transcript NM_001204.7 (MANE Select); 2173 bases downstream of the stop codon, A replaced by G.
Molecular consequence: 3 prime UTR variant.
Genome position (GRCh38, 1-based): chr2:202,562,119, A>G. VCF-style: chr2-202562119-A-G. GRCh37 (hg19) VCF-style: chr2-203426842-A-G.
Other names: c.*2173A>G (LRG_712t1).
Identifiers: ClinVar variation 333676 (VCV000333676.5), dbSNP rs181609907, ClinGen allele CA10612075.